The following is an entry in ClinVar:

ClinVar aggregate classification (germline): Pathogenic (1 of 4 stars; one submission).

Conditions:
DICER1-related tumor predisposition. Also called: DICER1-related pleuropulmonary blastoma cancer predisposition syndrome; DICER1 syndrome. Identifiers: Orphanet 284343, MedGen C3839822, MONDO:0100216.

Submission:

Foulkes Cancer Genetics LDI, Lady Davis Institute for Medical Research
Classification: Pathogenic for Pleuropulmonary blastoma. Last evaluated: 2019-07-01. Review status: criteria provided, single submitter. Criteria: ACMG Guidelines, 2015. Collection method: curation. Allele origin: somatic. Affected: yes. Observed: 4 variant alleles.
Comment: ACMG criteria met: PS3, PM1, PM2, PM7, PP3, PP4, BP1

Literature cited by the submitters: PubMed 26033159; PubMed 27494611; PubMed 29187512; PubMed 29037807.

NM_177438.3(DICER1):c.5113G>C (p.Glu1705Gln)

Gene: DICER1 (dicer 1, ribonuclease III; minus strand). Cytogenetic location: 14q32.13.
Variant type: single nucleotide variant.
Coding change: c.5113G>C on transcript NM_177438.3 (MANE Select); coding-DNA position 5113, G replaced by C.
Protein change: p.Glu1705Gln; replaces glutamic acid 1705 with glutamine.
Molecular consequence: missense variant.
Genome position (GRCh38, 1-based): chr14:95,094,139, C>G on the plus strand (G>C on the coding strand, the complement: DICER1 is on the minus strand). VCF-style: chr14-95094139-C-G. GRCh37 (hg19) VCF-style: chr14-95560476-C-G.
Other names: c.5113G>C, p.Glu1705Gln (NM_001195573.1, NM_001271282.3, NM_001291628.2 and 1 more transcripts); short protein forms E1705Q.
Identifiers: ClinVar variation 932988 (VCV000932988.3), dbSNP rs1890101390, ClinGen allele CA390865420.
Genomic context (GRCh38, chr14:95,094,139, plus strand): 5'-GCGGGTCTTCATAAAGGTGCTTGGTTATGAGGTAGTCCAAAATCGCATCTCCCAGGAATT[C>G]TAAGCGCTGGTAACAATCTGAGGGGATCCGAAGTGGAACCGTAAGCTTGTGCAGAAGCAT-3'
Protein context (NP_803187.1, residues 1695-1715): NTITDCYQRL[Glu1705Gln]FLGDAILDYL